The following is an entry in ClinVar:

ClinVar aggregate classification (germline): Uncertain significance (1 of 4 stars; one submission).

Conditions:
Neuropathy, hereditary sensory and autonomic, type 2A (HSAN2A). Also called: ACROOSTEOLYSIS, GIACCAI TYPE; ACROOSTEOLYSIS, NEUROGENIC; MORVAN DISEASE; NEUROPATHY, CONGENITAL SENSORY; NEUROPATHY, HEREDITARY SENSORY RADICULAR, AUTOSOMAL RECESSIVE; NEUROPATHY, HEREDITARY SENSORY, TYPE IIA. Identifiers: Orphanet 970, MedGen C2752089, MONDO:0024309, OMIM 201300.
Pseudohypoaldosteronism type 2C (PHA2C). Also called: Pseudohypoaldosteronism Type IIC. Identifiers: Orphanet 757, Orphanet 88940, MedGen C1840391, MONDO:0013778, OMIM 614492.

Submission:

Labcorp Genetics (formerly Invitae), Labcorp
Classification: Uncertain significance for Neuropathy, hereditary sensory and autonomic, type 2A; Pseudohypoaldosteronism type 2C. Last evaluated: 2023-12-20. Review status: criteria provided, single submitter. Criteria: Invitae Variant Classification Sherloc (09022015). Collection method: clinical testing. Allele origin: germline.
Comment: This sequence change replaces serine, which is neutral and polar, with arginine, which is basic and polar, at codon 30 of the WNK1 protein (p.Ser30Arg). This variant is not present in population databases (gnomAD no frequency). This variant has not been reported in the literature in individuals affected with WNK1-related conditions. Advanced modeling of protein sequence and biophysical properties (such as structural, functional, and spatial information, amino acid conservation, physicochemical variation, residue mobility, and thermodynamic stability) performed at Invitae indicates that this missense variant is not expected to disrupt WNK1 protein function with a negative predictive value of 95%. In summary, the available evidence is currently insufficient to determine the role of this variant in disease. Therefore, it has been classified as a Variant of Uncertain Significance.

NM_018979.4(WNK1):c.90C>G (p.Ser30Arg)

Gene: WNK1 (WNK lysine deficient protein kinase 1; plus strand). Cytogenetic location: 12p13.33.
Variant type: single nucleotide variant.
Coding change: c.90C>G on transcript NM_018979.4 (MANE Select); coding-DNA position 90, C replaced by G.
Protein change: p.Ser30Arg; replaces serine 30 with arginine.
Molecular consequence: missense variant.
Genome position (GRCh38, 1-based): chr12:753,655, C>G. VCF-style: chr12-753655-C-G. GRCh37 (hg19) VCF-style: chr12-862821-C-G.
Other names: c.90C>G, p.Ser30Arg (NM_001184985.2, NM_014823.3, NM_213655.5); short protein forms S30R.
Identifiers: ClinVar variation 2939140 (VCV002939140.3), dbSNP rs768148840, ClinGen allele CA383303608.